The following is an entry in ClinVar:

NM_001211.6(BUB1B):c.443G>A (p.Gly148Asp)

Gene: BUB1B (BUB1 mitotic checkpoint serine/threonine kinase B; plus strand). Cytogenetic location: 15q15.1.
Variant type: single nucleotide variant.
Coding change: c.443G>A on transcript NM_001211.6 (MANE Select); coding-DNA position 443, G replaced by A.
Protein change: p.Gly148Asp; replaces glycine 148 with aspartic acid.
Molecular consequence: missense variant.
Genome position (GRCh38, 1-based): chr15:40,176,535, G>A. VCF-style: chr15-40176535-G-A. GRCh37 (hg19) VCF-style: chr15-40468736-G-A.
Other names: short protein forms G148D.
Identifiers: ClinVar variation 3655673 (VCV003655673.2).
Genomic context (GRCh38, chr15:40,176,535, plus strand): 5'-AGGGGCGTTTATGCAATGAGCCTTTGGATATGTACAGTTACTTGCACAACCAAGGGATTG[G>A]TGTTTCACTTGCTCAGTTCTATATCTCATGGGCAGAAGAATATGAAGCTAGAGAAAACTT-3'
Protein context (NP_001202.5, residues 138-158): MYSYLHNQGI[Gly148Asp]VSLAQFYISW

ClinVar aggregate classification (germline): Uncertain significance (1 of 4 stars; one submission).

Conditions:
Mosaic variegated aneuploidy syndrome 1 (MVA1). Also called: Warburton-Anyane-Yeboa syndrome. Identifiers: Orphanet 1052, MedGen C1850343, MONDO:0009759, OMIM 257300.

Submission:

Labcorp Genetics (formerly Invitae), Labcorp
Classification: Uncertain significance for Mosaic variegated aneuploidy syndrome 1. Last evaluated: 2024-06-05. Review status: criteria provided, single submitter. Criteria: Invitae Variant Classification Sherloc (09022015). Collection method: clinical testing. Allele origin: germline.
Comment: This sequence change replaces glycine, which is neutral and non-polar, with aspartic acid, which is acidic and polar, at codon 148 of the BUB1B protein (p.Gly148Asp). This variant is not present in population databases (gnomAD no frequency). This variant has not been reported in the literature in individuals affected with BUB1B-related conditions. An algorithm developed to predict the effect of missense changes on protein structure and function (PolyPhen-2) suggests that this variant is likely to be disruptive. In summary, the available evidence is currently insufficient to determine the role of this variant in disease. Therefore, it has been classified as a Variant of Uncertain Significance.